The following is an entry in ClinVar:

ClinVar aggregate classification (germline): Benign. Review status: criteria provided, multiple submitters, no conflicts (2 of 4 stars). 10 submissions from 10 submitters: Benign (9). 1 of the submissions does not count toward it. Last evaluated 2026-02-04.

Conditions:
Hereditary cancer-predisposing syndrome. Also called: Tumor predisposition; Hereditary neoplastic syndrome; Neoplastic Syndromes, Hereditary; Hereditary Cancer Syndrome. Identifiers: Orphanet 140162, MedGen C0027672, MeSH D009386, MONDO:0015356.
Baller-Gerold syndrome (BGS). Also called: CRANIOSYNOSTOSIS WITH RADIAL DEFECTS. Identifiers: Orphanet 1225, MedGen C0265308, MONDO:0009039, OMIM 218600.

Allele frequency attached by ClinVar (database versions not stated): ESP Exome Variant Server 0.00055; gnomAD exomes 0.00356 and 0.01679; gnomAD 0.00877 and 0.00886; 1000 Genomes Project 30x 0.01187; 1000 Genomes Project 0.01198; ExAC 0.01316; TOPMed 0.01487.
gnomAD v4.1: 6,484 of 1,611,370 alleles (0.4%); highest among the groups gnomAD compares: Admixed American, 10%; 333 homozygotes.

Submissions (10):

Labcorp Genetics (formerly Invitae), Labcorp
Classification: Benign for Baller-Gerold syndrome. Last evaluated: 2026-02-04. Review status: criteria provided, single submitter. Criteria: Invitae Variant Classification Sherloc (09022015). Collection method: clinical testing. Allele origin: germline.

Dasa
Classification: Benign. Last evaluated: 2025-12-19. Review status: criteria provided, single submitter. Criteria: DASA Assertion Criteria. Collection method: clinical testing. Allele origin: germline.
Comment: NM_004260.4(RECQL4):c.1564C>T (p.Arg522Cys) is a missense variant that results in the substitution of arginine with cysteine. Population frequency is inconsistent with a disease-causing role for this variant, and observations in unaffected individuals support a benign interpretation. Therefore, based on the currently available evidence, this variant is classified as benign.

Mayo Clinic Laboratories, Mayo Clinic
Classification: Benign. Last evaluated: 2025-07-10. Review status: criteria provided, single submitter. Criteria: ACMG Guidelines, 2015. Collection method: clinical testing. Allele origin: germline. Observed: 1 variant allele.
Comment: BA1

Blueprint Genetics
Classification: Benign. Last evaluated: 2024-11-27. Review status: criteria provided, single submitter. Criteria: ACMG Guidelines, 2015. Collection method: clinical testing. Allele origin: germline.

Sema4
Classification: Benign for Hereditary cancer-predisposing syndrome. Last evaluated: 2020-08-10. Review status: criteria provided, single submitter. Criteria: Sema4 Curation Guidelines. Collection method: curation. Allele origin: germline.

GeneDx
Classification: Benign. Last evaluated: 2018-11-08. Review status: criteria provided, single submitter. Criteria: GeneDx Variant Classification Process June 2021. Collection method: clinical testing. Allele origin: germline. Affected: yes.
Comment: This variant is associated with the following publications: (PMID: 12734318)

Vantari Genetics
Classification: Benign for Hereditary cancer-predisposing syndrome. Last evaluated: 2015-11-17. Review status: criteria provided, single submitter. Criteria: ACMG Guidelines, 2015. Collection method: clinical testing. Allele origin: germline.

Eurofins Ntd Llc (ga)
Classification: Benign. Last evaluated: 2015-02-19. Review status: criteria provided, single submitter. Criteria: EGL Classification Definitions 2015. Collection method: clinical testing. Allele origin: germline. Observed: 1 variant allele, 1 heterozygote.

Breakthrough Genomics
Classification: Benign. Review status: criteria provided, single submitter. Criteria: ACMG Guidelines, 2015. Collection method: not provided. Allele origin: germline. Inheritance: Autosomal recessive inheritance. Affected: yes.

ITMI
No classification provided. Condition: AllHighlyPenetrant. Last evaluated: 2013-09-19. Review status: no classification provided. Collection method: reference population. Allele origin: germline. Not counted in ClinVar's aggregate classification.
Comment: Please see associated publication for description of ethnicities

Literature cited by the submitters: PubMed 24728327 (cited by ITMI).

NM_004260.4(RECQL4):c.1564C>T (p.Arg522Cys)

Gene: RECQL4 (RecQ like helicase 4; minus strand). Cytogenetic location: 8q24.3.
Variant type: single nucleotide variant.
Coding change: c.1564C>T on transcript NM_004260.4 (MANE Select); coding-DNA position 1564, C replaced by T.
Protein change: p.Arg522Cys; replaces arginine 522 with cysteine.
Molecular consequence: missense variant.
Genome position (GRCh38, 1-based): chr8:144,514,992, G>A on the plus strand (C>T on the coding strand, the complement: RECQL4 is on the minus strand). VCF-style: chr8-144514992-G-A. GRCh37 (hg19) VCF-style: chr8-145740376-G-A.
Other names: p.Arg522Cys; short protein forms R522C.
Identifiers: ClinVar variation 135173 (VCV000135173.21), dbSNP rs35407712, ClinGen allele CA161902.